The following is an entry in ClinVar:

NM_007294.4(BRCA1):c.5323A>G (p.Met1775Val)

Gene: BRCA1 (BRCA1 DNA repair associated; minus strand). Cytogenetic location: 17q21.31.
Variant type: single nucleotide variant.
Coding change: c.5323A>G on transcript NM_007294.4 (MANE Select); coding-DNA position 5323, A replaced by G.
Protein change: p.Met1775Val; replaces methionine 1775 with valine.
Molecular consequence: missense variant. On other transcripts: non-coding transcript variant (1).
Genome position (GRCh38, 1-based): chr17:43,051,072, T>C on the plus strand (A>G on the coding strand, the complement: BRCA1 is on the minus strand). VCF-style: chr17-43051072-T-C. GRCh37 (hg19) VCF-style: chr17-41203089-T-C.
Other names: c.5242A>G, p.Met1748Val (NM_001407657.1, NM_001407658.1, NM_001407656.1); c.5239A>G, p.Met1747Val (NM_001407659.1, NM_001407660.1, NM_001407661.1 and 2 more transcripts); c.5200A>G, p.Met1734Val (NM_001407664.1, NM_001407665.1, NM_001407666.1 and 5 more transcripts); c.5323A>G, p.Met1775Val (NM_001407598.1, NM_001407602.1, NM_001407603.1 and 6 more transcripts); c.5320A>G, p.Met1774Val (NM_001407610.1, NM_001407611.1, NM_001407612.1 and 17 more transcripts); c.5317A>G, p.Met1773Val (NM_001407627.1, NM_001407628.1, NM_001407629.1 and 14 more transcripts); c.5311A>G, p.Met1771Val (NM_001407646.1); c.5308A>G, p.Met1770Val (NM_001407647.1); and 72 more; short protein forms M1775V, M1796V, M1728V, M671V, M1621V, M1703V, M1706V, M1708V.
Identifiers: ClinVar variation 868306 (VCV000868306.6), dbSNP rs2051198464, ClinGen allele CA10590905.

ClinVar aggregate classification (germline): Likely pathogenic (1 of 4 stars; one submission).

Conditions:
Hereditary cancer-predisposing syndrome. Also called: Neoplastic Syndromes, Hereditary; Tumor predisposition; Hereditary Cancer Syndrome; Hereditary neoplastic syndrome. Identifiers: Orphanet 140162, MedGen C0027672, MeSH D009386, MONDO:0015356.

Submissions (2):

Ambry Genetics
Classification: Likely pathogenic for Hereditary cancer-predisposing syndrome. Last evaluated: 2026-01-24. Review status: criteria provided, single submitter. Criteria: Ambry Variant Classification Scheme 2023. Collection method: clinical testing. Allele origin: germline.
Comment: The p.M1775V variant (also known as c.5323A>G), located in coding exon 19 of the BRCA1 gene, results from an A to G substitution at nucleotide position 5323. The methionine at codon 1775 is replaced by valine, an amino acid with highly similar properties. One functional study found that this nucleotide substitution is non-functional in a high-throughput, genome editing, haploid cell survival assay (Findlay GM et al. Nature, 2018 10;562:217-222). Another functional study reported this variant as resulting in loss-of-function in an assay of homology-directed repair (HDR) but functional in a cisplatin resistance assay (Adamovich AI et al. Am J Hum Genet. 2022 Apr;109(4):618-630). Based on internal structural analysis, M1775V is deleterious. The variant is moderately destabilizing to the local structure (Ambry internal data). This amino acid position is highly conserved in available vertebrate species. In addition, this alteration is predicted to be deleterious by in silico analysis. This variant is considered to be rare based on population cohorts in the Genome Aggregation Database (gnomAD). Based on the majority of available evidence to date, this variant is likely to be pathogenic.

Brotman Baty Institute, University of Washington
No classification provided (evidence only). Condition: Breast-ovarian cancer, familial 1. Review status: no classification provided. Collection method: in vitro. Allele origin: not applicable. Functional consequence: functionally_abnormal. Not counted in ClinVar's aggregate classification.
ClinVar note: "not provided" was previously submitted as the classification for the variant. However, the classification appeared to be based only on an observation of functional data so it was converted to no classification on 2025-07-30.

Literature cited by the submitters: PubMed 30209399 (cited by Ambry Genetics); PubMed 35196514 (cited by Ambry Genetics).